The following is an entry in ClinVar:

NM_021614.4(KCNN2):c.1993C>T (p.Arg665Ter)

Genes: KCNN2 (potassium calcium-activated channel subfamily N member 2; plus strand), KCNN2-AS1 (KCNN2 antisense RNA 1; minus strand). Cytogenetic location: 5q22.3.
Variant type: single nucleotide variant.
Coding change: c.1993C>T on transcript NM_021614.4 (MANE Select); coding-DNA position 1993, C replaced by T.
Protein change: p.Arg665Ter; replaces arginine 665 with a stop codon.
Molecular consequence: nonsense. On other transcripts: non-coding transcript variant (2).
Genome position (GRCh38, 1-based): chr5:114,487,152, C>T. VCF-style: chr5-114487152-C-T. GRCh37 (hg19) VCF-style: chr5-113822849-C-T.
Other names: c.2191C>T, p.Arg731Ter (NM_001372233.1); c.313C>T, p.Arg105Ter (NM_170775.3); short protein forms R665*, R105*, R731*.
Identifiers: ClinVar variation 3862961 (VCV003862961.2).

ClinVar aggregate classification (germline): Conflicting classifications of pathogenicity. Review status: criteria provided, conflicting classifications (1 of 4 stars). 2 submissions from 2 submitters: Pathogenic (1); Uncertain significance (1). Last evaluated 2025-02-05.

Conditions:
Inborn genetic diseases. Identifiers: MedGen C0950123, MeSH D030342.

gnomAD v4.1: 1 of 1,612,808 alleles (0.000062%); highest among the groups gnomAD compares: Non-Finnish European, 0.000085%; no homozygotes.

Submissions (2):

Ambry Genetics
Classification: Pathogenic for Inborn genetic diseases. Last evaluated: 2025-02-05. Review status: criteria provided, single submitter. Criteria: Ambry Variant Classification Scheme 2023. Collection method: clinical testing. Allele origin: germline.
Comment: The c.1357C>T (p.R453*) alteration, located in exon 6 (coding exon 6) of the KCNN2 gene, consists of a C to T substitution at nucleotide position 1357. This changes the amino acid from a arginine (R) to a stop codon at amino acid position 453. This alteration is expected to result in loss of function by premature protein truncation or nonsense-mediated mRNA decay. This variant was not reported in population-based cohorts in the Genome Aggregation Database (gnomAD). Based on the available evidence, this alteration is classified as pathogenic.

Blueprint Genetics
Classification: Uncertain significance. Last evaluated: 2020-07-04. Review status: criteria provided, single submitter. Criteria: ACMG Guidelines, 2015. Collection method: clinical testing. Allele origin: germline.